The following is an entry in ClinVar:

NM_001277115.2(DNAH11):c.4726-2A>G

Gene: DNAH11 (dynein axonemal heavy chain 11; plus strand). Cytogenetic location: 7p15.3.
Variant type: single nucleotide variant.
Coding change: c.4726-2A>G on transcript NM_001277115.2 (MANE Select); the canonical splice acceptor site of the intron before coding-DNA position 4726, A replaced by G.
Molecular consequence: splice acceptor variant.
Genome position (GRCh38, 1-based): chr7:21,637,609, A>G. VCF-style: chr7-21637609-A-G. GRCh37 (hg19) VCF-style: chr7-21677227-A-G.
Identifiers: ClinVar variation 2772406 (VCV002772406.3), dbSNP rs2534777249, ClinGen allele CA366934044.
Genomic context (GRCh38, chr7:21,637,609, plus strand): 5'-TGATTAAAAGTTTAGAAAAGATTGTTCTAATATCCACGGCCCCGTATTGTACTTTCATGC[A>G]GGAGTTAATGTTCAAGACAGCCAAAGTAGAAAATGTGTTAGAAGCAACGTGCAGACCTAA-3'

ClinVar aggregate classification (germline): Pathogenic (1 of 4 stars; one submission).

Conditions:
Primary ciliary dyskinesia. Also called: Ciliary dyskinesia. Identifiers: Orphanet 244, MedGen C0008780, MONDO:0016575, HP:0012265.

gnomAD v4.1: 1 of 1,570,728 alleles (0.000064%); highest among the groups gnomAD compares: Non-Finnish European, 0.000087%; no homozygotes.

Submission:

Labcorp Genetics (formerly Invitae), Labcorp
Classification: Pathogenic for Primary ciliary dyskinesia. Last evaluated: 2023-11-05. Review status: criteria provided, single submitter. Criteria: Invitae Variant Classification Sherloc (09022015). Collection method: clinical testing. Allele origin: germline.
Comment: This sequence change affects an acceptor splice site in intron 26 of the DNAH11 gene. RNA analysis indicates that disruption of this splice site induces altered splicing and may result in an absent or disrupted protein product. This variant is not present in population databases (gnomAD no frequency). Disruption of this splice site has been observed in individual(s) with primary ciliary dyskinesia (PMID: 22184204). It has also been observed to segregate with disease in related individuals. Studies have shown that disruption of this splice site results in skipping of exon 27 and introduces a premature termination codon (PMID: 22184204). The resulting mRNA is expected to undergo nonsense-mediated decay. For these reasons, this variant has been classified as Pathogenic.

Literature cited by the submitters: PubMed 22184204.